The following is an entry in ClinVar:

ClinVar aggregate classification (germline): Pathogenic/Likely pathogenic. Review status: criteria provided, multiple submitters, no conflicts (2 of 4 stars). 2 submissions from 2 submitters: Pathogenic (1); Likely pathogenic (1). Last evaluated 2022-07-12.

Conditions:
Benign neonatal seizures. Also called: Benign neonatal familial convulsions; Benign familial neonatal epilepsy; Benign familial neonatal seizures; Convulsions benign familial neonatal dominant form; Autosomal dominant form of benign neonatal seizures. Identifiers: Orphanet 1949, MedGen C0220669, MONDO:0016027.

Submissions (2):

Labcorp Genetics (formerly Invitae), Labcorp
Classification: Pathogenic for Benign neonatal seizures. Last evaluated: 2022-07-12. Review status: criteria provided, single submitter. Criteria: Invitae Variant Classification Sherloc (09022015). Collection method: clinical testing. Allele origin: germline.
Comment: For these reasons, this variant has been classified as Pathogenic. Advanced modeling of protein sequence and biophysical properties (such as structural, functional, and spatial information, amino acid conservation, physicochemical variation, residue mobility, and thermodynamic stability) performed at Invitae indicates that this missense variant is expected to disrupt KCNQ3 protein function. This sequence change replaces alanine, which is neutral and non-polar, with valine, which is neutral and non-polar, at codon 306 of the KCNQ3 protein (p.Ala306Val). This variant is not present in population databases (gnomAD no frequency). This missense change has been observed in individual(s) with clinical features of KCNQ3-related conditions (PMID: 29655203; Invitae). In at least one individual the variant was observed to be de novo. ClinVar contains an entry for this variant (Variation ID: 205966).

GeneDx
Classification: Likely pathogenic. Last evaluated: 2016-08-01. Review status: criteria provided, single submitter. Criteria: GeneDx Variant Classification (06012015). Collection method: clinical testing. Allele origin: germline. Affected: yes.
Comment: An A306V variant that is likely pathogenic has been identified in the KCNQ3 gene. The A306V variant has not been published as a pathogenic variant, nor has it been reported as a benign variant to our knowledge. It was not observed in approximately 6,500 individuals of European and African American ancestry in the NHLBI Exome Sequencing Project, indicating it is not a common benign variant in these populations. This substitution occurs at a position that is conserved across species and in silico analysis predicts this variant is probably damaging to the protein structure/function. Missense variants in nearby residues (D305G, W309R, G310V) have been reported in the Human Gene Mutation Database in association with KCNQ3-related disorder (Stenson et al., 2014), supporting the functional importance of this region of the protein. However, the A306V variant is a conservative amino acid substitution, which is not likely to impact secondary protein structure as these residues share similar properties. Therefore, this variant is likely pathogenic; however, the possibility that it is benign cannot be excluded.

Literature cited by the submitters: PubMed 29655203 (cited by Labcorp Genetics (formerly Invitae), Labcorp).

NM_004519.4(KCNQ3):c.917C>T (p.Ala306Val)

Gene: KCNQ3 (potassium voltage-gated channel subfamily Q member 3; minus strand). Cytogenetic location: 8q24.22.
Variant type: single nucleotide variant.
Coding change: c.917C>T on transcript NM_004519.4 (MANE Select); coding-DNA position 917, C replaced by T.
Protein change: p.Ala306Val; replaces alanine 306 with valine.
Molecular consequence: missense variant.
Genome position (GRCh38, 1-based): chr8:132,175,469, G>A on the plus strand (C>T on the coding strand, the complement: KCNQ3 is on the minus strand). VCF-style: chr8-132175469-G-A. GRCh37 (hg19) VCF-style: chr8-133187716-G-A.
Other names: p.A306V:GCC>GTC; c.557C>T, p.Ala186Val (NM_001204824.2); short protein forms A306V, A186V.
Identifiers: ClinVar variation 205966 (VCV000205966.9), dbSNP rs796052678, ClinGen allele CA315599.
Genomic context (GRCh38, chr8:132,175,469, plus strand): 5'-TGACAGTCAATCTCACAGAATTGGCCTCCAAGGTAGTGACTCACCAGGCCCCACCACAGG[G>A]CATCTGCATAGGTCTCAAACTCCTCTTTCATCTCCTCTCCTTGTGCATCCACCTCTGGGA-3'
Protein context (NP_004510.1, residues 296-316): MKEEFETYAD[Ala306Val]LWWGLITLAT